The following is an entry in ClinVar:

ClinVar aggregate classification (germline): Uncertain significance. Review status: criteria provided, multiple submitters, no conflicts (2 of 4 stars). 4 submissions from 4 submitters: Uncertain significance (4). Last evaluated 2024-11-27.

Conditions:
Polycystic kidney disease 4 (PKD4). Also called: Autosomal Recessive Polycystic Kidney Disease – PKHD1; POLYCYSTIC KIDNEY DISEASE 4 WITH OR WITHOUT POLYCYSTIC LIVER DISEASE; POLYCYSTIC KIDNEY AND HEPATIC DISEASE 1; POLYCYSTIC KIDNEY DISEASE, INFANTILE, TYPE I; PKD3. Identifiers: MedGen C4540575, MONDO:0033004, OMIM 263200.
Inborn genetic diseases. Identifiers: MedGen C0950123, MeSH D030342.
Autosomal recessive polycystic kidney disease (ARPKD). Also called: AR polycystic kidney disease. Identifiers: Orphanet 731, Orphanet 8378, MedGen C0085548, MeSH D017044, MONDO:0009889.

Allele frequency attached by ClinVar (database versions not stated): gnomAD 0.00002; TOPMed 0.00003.
gnomAD v4.1: 64 of 1,611,388 alleles (0.004%); highest among the groups gnomAD compares: South Asian, 0.02%; no homozygotes.

Submissions (4):

Labcorp Genetics (formerly Invitae), Labcorp
Classification: Uncertain significance for Autosomal recessive polycystic kidney disease. Last evaluated: 2024-11-27. Review status: criteria provided, single submitter. Criteria: Invitae Variant Classification Sherloc (09022015). Collection method: clinical testing. Allele origin: germline.
Comment: This sequence change replaces alanine, which is neutral and non-polar, with valine, which is neutral and non-polar, at codon 2266 of the PKHD1 protein (p.Ala2266Val). This variant is present in population databases (rs755286726, gnomAD 0.02%). This variant has not been reported in the literature in individuals affected with PKHD1-related conditions. ClinVar contains an entry for this variant (Variation ID: 594320). Invitae Evidence Modeling of protein sequence and biophysical properties (such as structural, functional, and spatial information, amino acid conservation, physicochemical variation, residue mobility, and thermodynamic stability) has been performed for this missense variant. However, the output from this modeling did not meet the statistical confidence thresholds required to predict the impact of this variant on PKHD1 protein function. In summary, the available evidence is currently insufficient to determine the role of this variant in disease. Therefore, it has been classified as a Variant of Uncertain Significance.

Ambry Genetics
Classification: Uncertain significance for Inborn genetic diseases. Last evaluated: 2024-04-12. Review status: criteria provided, single submitter. Criteria: Ambry Variant Classification Scheme 2023. Collection method: clinical testing. Allele origin: germline.

Fulgent Genetics
Classification: Uncertain significance for Polycystic kidney disease 4. Last evaluated: 2021-12-19. Review status: criteria provided, single submitter. Criteria: ACMG Guidelines, 2015. Collection method: clinical testing. Allele origin: unknown.

Eurofins Ntd Llc (ga)
Classification: Uncertain significance. Last evaluated: 2018-07-25. Review status: criteria provided, single submitter. Criteria: EGL ClinVar v180209 classification definitions. Collection method: clinical testing. Allele origin: germline. Observed: 2 variant alleles, 2 heterozygotes.

NM_138694.4(PKHD1):c.6797C>T (p.Ala2266Val)

Gene: PKHD1 (PKHD1 ciliary IPT domain containing fibrocystin/polyductin; minus strand). Cytogenetic location: 6p12.2.
Variant type: single nucleotide variant.
Coding change: c.6797C>T on transcript NM_138694.4 (MANE Select); coding-DNA position 6797, C replaced by T.
Protein change: p.Ala2266Val; replaces alanine 2266 with valine.
Molecular consequence: missense variant.
Genome position (GRCh38, 1-based): chr6:51,906,226, G>A on the plus strand (C>T on the coding strand, the complement: PKHD1 is on the minus strand). VCF-style: chr6-51906226-G-A. GRCh37 (hg19) VCF-style: chr6-51771024-G-A.
Other names: c.6797C>T, p.Ala2266Val (NM_170724.3); c.6797C>T (NM_138694.3); short protein forms A2266V.
Identifiers: ClinVar variation 594320 (VCV000594320.9), dbSNP rs755286726, ClinGen allele CA3852176.